The following is an entry in ClinVar:

ClinVar aggregate classification (germline): Uncertain significance (1 of 4 stars; one submission).

Allele frequency attached by ClinVar (database versions not stated): gnomAD exomes below 0.00001.
gnomAD v4.1: 1 of 1,613,606 alleles (0.000062%); highest among the groups gnomAD compares: Non-Finnish European, 0.000085%; no homozygotes.

Submission:

Labcorp Genetics (formerly Invitae), Labcorp
Classification: Uncertain significance. Last evaluated: 2022-04-01. Review status: criteria provided, single submitter. Criteria: Invitae Variant Classification Sherloc (09022015). Collection method: clinical testing. Allele origin: germline.
Comment: This sequence change replaces leucine, which is neutral and non-polar, with proline, which is neutral and non-polar, at codon 96 of the RP9 protein (p.Leu96Pro). This variant is not present in population databases (gnomAD no frequency). This variant has not been reported in the literature in individuals affected with RP9-related conditions. Algorithms developed to predict the effect of missense changes on protein structure and function (SIFT, PolyPhen-2, Align-GVGD) all suggest that this variant is likely to be disruptive. In summary, the available evidence is currently insufficient to determine the role of this variant in disease. Therefore, it has been classified as a Variant of Uncertain Significance.

NM_203288.2(RP9):c.287T>C (p.Leu96Pro)

Gene: RP9 (RP9 pre-mRNA splicing factor; minus strand). Cytogenetic location: 7p14.3.
Variant type: single nucleotide variant.
Coding change: c.287T>C on transcript NM_203288.2 (MANE Select); coding-DNA position 287, T replaced by C.
Protein change: p.Leu96Pro; replaces leucine 96 with proline.
Molecular consequence: missense variant.
Genome position (GRCh38, 1-based): chr7:33,099,333, A>G on the plus strand (T>C on the coding strand, the complement: RP9 is on the minus strand). VCF-style: chr7-33099333-A-G. GRCh37 (hg19) VCF-style: chr7-33138945-A-G.
Other names: short protein forms L96P.
Identifiers: ClinVar variation 2120648 (VCV002120648.4), dbSNP rs2534913919, ClinGen allele CA367183039.
Genomic context (GRCh38, chr7:33,099,333, plus strand): 5'-GTTGCATGGATTAGGGAAACTCTCCCACACTCACACTGCATAACTTTGACTTCTTTCCCC[A>G]GTGGCATCCAAAGTCCTTTAGTTGGTGCATGAGCCAGAAATTCCCTGGCGTGTTCATTGC-3'
Protein context (NP_976033.1, residues 86-106): HAPTKGLWMP[Leu96Pro]GKEVKVMQCW